The following is an entry in ClinVar:

NM_012193.4(FZD4):c.205C>T (p.His69Tyr)

Gene: FZD4 (frizzled class receptor 4; minus strand). Cytogenetic location: 11q14.2.
Variant type: single nucleotide variant.
Coding change: c.205C>T on transcript NM_012193.4 (MANE Select); coding-DNA position 205, C replaced by T.
Protein change: p.His69Tyr; replaces histidine 69 with tyrosine.
Molecular consequence: missense variant.
Genome position (GRCh38, 1-based): chr11:86,954,881, G>A on the plus strand (C>T on the coding strand, the complement: FZD4 is on the minus strand). VCF-style: chr11-86954881-G-A. GRCh37 (hg19) VCF-style: chr11-86665923-G-A.
Other names: short protein forms H69Y.
Identifiers: ClinVar variation 143141 (VCV000143141.21), dbSNP rs80358282, ClinGen allele CA232846.
Genomic context (GRCh38, chr11:86,954,881, plus strand): 5'-CGTACTGGATGAGCGGTGTGAAAGTTGTCAGCTGCAGCTCGGCGTCCGTCTGCAGCTCGT[G>A]CCCAACCAGGTTGGGCATCTTGGTCACGTTGTAGCCGAGGTTCTGGCACATGGAGATGCG-3'
Protein context (NP_036325.2, residues 59-79): NVTKMPNLVG[His69Tyr]ELQTDAELQL

ClinVar aggregate classification (germline): Conflicting classifications of pathogenicity. Review status: criteria provided, conflicting classifications (1 of 4 stars). 7 submissions from 7 submitters: Uncertain significance (1); Benign (2); Likely benign (3). 1 of the submissions does not count toward it. Last evaluated 2025-12-22.

Conditions:
Retinal dystrophy. Also called: Inherited retinal dystrophy. Identifiers: Orphanet 71862, MedGen C0854723, MeSH D058499, MONDO:0019118, HP:0000556.
Exudative vitreoretinopathy 1 (EVR1). Also called: FEVR, AUTOSOMAL DOMINANT; Familial exudative vitreoretinopathy, autosomal dominant; CRISWICK-SCHEPENS SYNDROME. Identifiers: Orphanet 891, Orphanet 90050, MedGen C1851402, MONDO:0007589, OMIM 133780.

Allele frequency attached by ClinVar (database versions not stated): gnomAD 0.00014 and 0.00023; ESP Exome Variant Server 0.00015; TOPMed 0.00028; gnomAD exomes 0.00033 and 0.00052; ExAC 0.00056; 1000 Genomes Project 30x 0.00016; 1000 Genomes Project 0.00020.

Submissions (7):

Labcorp Genetics (formerly Invitae), Labcorp
Classification: Benign. Last evaluated: 2025-12-22. Review status: criteria provided, single submitter. Criteria: Invitae Variant Classification Sherloc (09022015). Collection method: clinical testing. Allele origin: germline.

Blueprint Genetics
Classification: Likely benign. Last evaluated: 2024-11-08. Review status: criteria provided, single submitter. Criteria: ACMG Guidelines, 2015. Collection method: clinical testing. Allele origin: germline.

Mendelics
Classification: Benign for Exudative vitreoretinopathy 1. Last evaluated: 2019-05-28. Review status: criteria provided, single submitter. Criteria: Mendelics Assertion Criteria 2017. Collection method: clinical testing. Allele origin: unknown.

Illumina Laboratory Services, Illumina
Classification: Likely benign for Exudative vitreoretinopathy 1. Last evaluated: 2017-04-27. Review status: criteria provided, single submitter. Criteria: ICSL Variant Classification Criteria 13 December 2019. Collection method: clinical testing. Allele origin: germline.
Comment: This variant was observed as part of a predisposition screen in an ostensibly healthy population. A literature search was performed for the gene, cDNA change, and amino acid change (where applicable). Publications were found based on this search. The evidence from the literature, in combination with allele frequency data from public databases where available, was sufficient to determine this variant is unlikely to cause disease. Therefore, this variant is classified as likely benign.

Eurofins Ntd Llc (ga)
Classification: Likely benign. Last evaluated: 2017-04-14. Review status: criteria provided, single submitter. Criteria: EGL Classification Definitions 2015. Collection method: clinical testing. Allele origin: germline. Observed: 1 variant allele, 1 heterozygote.

Institute of Human Genetics, Univ. Regensburg, Univ. Regensburg
Classification: Uncertain significance for Retinal dystrophy. Last evaluated: 2017-01-01. Review status: criteria provided, single submitter. Criteria: ACMG Guidelines, 2015. Collection method: clinical testing. Allele origin: germline. Affected: yes.

Department of Ophthalmology and Visual Sciences Kyoto University
Classification: Likely benign. Review status: no assertion criteria provided. Collection method: not provided. Allele origin: unknown. Not counted in ClinVar's aggregate classification.
ClinVar note: Converted during submission from probable-non-pathogenic to Likely benign.

Literature cited by the submitters: PubMed 14507768 (cited by Illumina Laboratory Services, Illumina and Institute of Human Genetics, Univ. Regensburg, Univ. Regensburg); PubMed 20938005 (cited by Illumina Laboratory Services, Illumina and Institute of Human Genetics, Univ. Regensburg, Univ. Regensburg); PubMed 24744206 (cited by Illumina Laboratory Services, Illumina and Institute of Human Genetics, Univ. Regensburg, Univ. Regensburg); PubMed 15370539 (cited by Illumina Laboratory Services, Illumina and Institute of Human Genetics, Univ. Regensburg, Univ. Regensburg); PubMed 17955262 (cited by Illumina Laboratory Services, Illumina and Institute of Human Genetics, Univ. Regensburg, Univ. Regensburg); PubMed 23441120 (cited by Institute of Human Genetics, Univ. Regensburg, Univ. Regensburg); PubMed 29135315 (cited by Institute of Human Genetics, Univ. Regensburg, Univ. Regensburg); PubMed 30452590 (cited by Institute of Human Genetics, Univ. Regensburg, Univ. Regensburg); PubMed 30097784 (cited by Institute of Human Genetics, Univ. Regensburg, Univ. Regensburg); PubMed 31169861 (cited by Institute of Human Genetics, Univ. Regensburg, Univ. Regensburg); PubMed 31765079 (cited by Institute of Human Genetics, Univ. Regensburg, Univ. Regensburg); PubMed 30882657 (cited by Institute of Human Genetics, Univ. Regensburg, Univ. Regensburg); PubMed 34426522 (cited by Institute of Human Genetics, Univ. Regensburg, Univ. Regensburg); PubMed 34860240 (cited by Institute of Human Genetics, Univ. Regensburg, Univ. Regensburg); PubMed 35394490 (cited by Institute of Human Genetics, Univ. Regensburg, Univ. Regensburg); PubMed 35052368 (cited by Institute of Human Genetics, Univ. Regensburg, Univ. Regensburg); PubMed 35876299 (cited by Institute of Human Genetics, Univ. Regensburg, Univ. Regensburg).